The following is an entry in ClinVar:

ClinVar aggregate classification (germline): Uncertain significance (1 of 4 stars; one submission).

Allele frequency attached by ClinVar (database versions not stated): gnomAD exomes below 0.00001.
gnomAD v4.1: 4 of 1,614,126 alleles (0.00025%); highest among the groups gnomAD compares: Non-Finnish European, 0.00034%; no homozygotes.

Submission:

Labcorp Genetics (formerly Invitae), Labcorp
Classification: Uncertain significance. Last evaluated: 2023-03-19. Review status: criteria provided, single submitter. Criteria: Invitae Variant Classification Sherloc (09022015). Collection method: clinical testing. Allele origin: germline.
Comment: This sequence change replaces leucine, which is neutral and non-polar, with valine, which is neutral and non-polar, at codon 101 of the TFRC protein (p.Leu101Val). This variant is not present in population databases (gnomAD no frequency). This variant has not been reported in the literature in individuals affected with TFRC-related conditions. Algorithms developed to predict the effect of missense changes on protein structure and function output the following: SIFT: "Not Available"; PolyPhen-2: "Benign"; Align-GVGD: "Not Available". The valine amino acid residue is found in multiple mammalian species, which suggests that this missense change does not adversely affect protein function. In summary, the available evidence is currently insufficient to determine the role of this variant in disease. Therefore, it has been classified as a Variant of Uncertain Significance.

NM_001128148.3(TFRC):c.301C>G (p.Leu101Val)

Gene: TFRC (transferrin receptor; minus strand). Cytogenetic location: 3q29.
Variant type: single nucleotide variant.
Coding change: c.301C>G on transcript NM_001128148.3 (MANE Select); coding-DNA position 301, C replaced by G.
Protein change: p.Leu101Val; replaces leucine 101 with valine.
Molecular consequence: missense variant. On other transcripts: intron variant (1).
Genome position (GRCh38, 1-based): chr3:196,074,063, G>C on the plus strand (C>G on the coding strand, the complement: TFRC is on the minus strand). VCF-style: chr3-196074063-G-C. GRCh37 (hg19) VCF-style: chr3-195800934-G-C.
Other names: c.58C>G, p.Leu20Val (NM_001313965.2); c.301C>G, p.Leu101Val (NM_003234.4); c.-412-1911C>G (NM_001313966.2); short protein forms L20V, L101V.
Identifiers: ClinVar variation 3009747 (VCV003009747.3), dbSNP rs377515204, ClinGen allele CA90760792.